The following is an entry in ClinVar:

ClinVar aggregate classification (germline): Conflicting classifications of pathogenicity. Review status: criteria provided, conflicting classifications (1 of 4 stars). 8 submissions from 8 submitters: Uncertain significance (3); Likely benign (3). 2 of the submissions do not count toward it. Last evaluated 2026-06-02.

Conditions:
Biotinidase deficiency. Also called: BTD deficiency; Late-onset biotin-responsive multiple carboxylase deficiency; Biotin deficiency. Identifiers: Orphanet 79241, MedGen C0220754, MONDO:0009665, OMIM 253260.
Inborn genetic diseases. Identifiers: MedGen C0950123, MeSH D030342.
Intellectual disability. Also called: intellectual disabilities; Intellectual functioning disability; Intellectual developmental disorder. Identifiers: MedGen C3714756, MeSH D008607, MONDO:0001071, HP:0001249.

Allele frequency attached by ClinVar (database versions not stated): gnomAD 0.00003; ESP Exome Variant Server 0.00008; ExAC 0.00012; gnomAD exomes 0.00012 and 0.00019; TOPMed 0.00012.

Submissions (8):

Ambry Genetics
Classification: Likely benign for Inborn genetic diseases. Last evaluated: 2026-06-02. Review status: criteria provided, single submitter. Criteria: Ambry Variant Classification Scheme 2023. Collection method: clinical testing. Allele origin: germline.

Fulgent Genetics
Classification: Uncertain significance for Biotinidase deficiency. Last evaluated: 2024-02-28. Review status: criteria provided, single submitter. Criteria: ACMG Guidelines, 2015. Collection method: clinical testing. Allele origin: germline.

Blueprint Genetics
Classification: Uncertain significance. Last evaluated: 2023-03-29. Review status: criteria provided, single submitter. Criteria: ACMG Guidelines, 2015. Collection method: clinical testing. Allele origin: germline.

Labcorp Genetics (formerly Invitae), Labcorp
Classification: Uncertain significance for Biotinidase deficiency. Last evaluated: 2022-08-20. Review status: criteria provided, single submitter. Criteria: Invitae Variant Classification Sherloc (09022015). Collection method: clinical testing. Allele origin: germline.
Comment: This sequence change replaces aspartic acid, which is acidic and polar, with asparagine, which is neutral and polar, at codon 222 of the BTD protein (p.Asp222Asn). This variant is present in population databases (rs200337373, gnomAD 0.02%). This missense change has been observed in individual(s) with biotinidase deficiency (PMID: 25174816, 28498829). ClinVar contains an entry for this variant (Variation ID: 381650). Algorithms developed to predict the effect of missense changes on protein structure and function output the following: SIFT: "Tolerated"; PolyPhen-2: "Possibly Damaging"; Align-GVGD: "Class C0". The asparagine amino acid residue is found in multiple mammalian species, which suggests that this missense change does not adversely affect protein function. Experimental studies have shown that this missense change does not substantially affect BTD function (PMID: 31337602). This variant disrupts the p.Asp222 amino acid residue in BTD. Other variant(s) that disrupt this residue have been observed in individuals with BTD-related conditions (PMID: 22698809, 26810761), which suggests that this may be a clinically significant amino acid residue. In summary, the available evidence is currently insufficient to determine the role of this variant in disease. Therefore, it has been classified as a Variant of Uncertain Significance.

Women's Health and Genetics/Laboratory Corporation of America, LabCorp
Classification: Likely benign. Last evaluated: 2021-09-28. Review status: criteria provided, single submitter. Criteria: LabCorp Variant Classification Summary - May 2015. Collection method: clinical testing. Allele origin: germline.
Comment: Variant summary: BTD c.604G>A (p.Asp202Asn) results in a conservative amino acid change located in the Nitrilase/Amidase homologous domain of the encoded protein sequence. Three of five in-silico tools predict a benign effect of the variant on protein function. The variant allele was found at a frequency of 0.00011 in 273024 control chromosomes. This frequency is not significantly higher than expected for a pathogenic variant in BTD causing Biotinidase Deficiency (0.00011 vs 0.0046), allowing no conclusion about variant significance. c.604G>A has been reported in the literature in individuals affected with Biotinidase Deficiency (Borsatto_2014) or Ovarian Cancer (Permuth_2016). These reports do not provide unequivocal conclusions about association of the variant with Biotinidase Deficiency. At least one publication reports experimental evidence evaluating an impact on protein function. These results showed no damaging effect of this variant (Borsatto_2019). Three clinical diagnostic laboratories have submitted clinical-significance assessments for this variant to ClinVar after 2014 without evidence for independent evaluation. Two laboratory classified the variant as likely benign, and one laboratory classified the variant as uncertain significance. Based on the evidence outlined above, the variant was classified as likely benign.

GeneDx
Classification: Likely benign. Last evaluated: 2021-05-07. Review status: criteria provided, single submitter. Criteria: GeneDx Variant Classification Process June 2021. Collection method: clinical testing. Allele origin: germline. Affected: yes.
Comment: In silico analysis supports that this missense variant does not alter protein structure/function; This variant is associated with the following publications: (PMID: 31337602, 25174816, 27378695)

Centre de Biologie Pathologie Génétique, Centre Hospitalier Universitaire de Lille
Classification: Likely benign for Intellectual disability. Last evaluated: 2019-01-01. Review status: no assertion criteria provided. Collection method: clinical testing. Allele origin: inherited. Affected: yes. Not counted in ClinVar's aggregate classification.

Counsyl
Classification: Uncertain significance for Biotinidase deficiency. Last evaluated: 2018-04-18. Review status: no assertion criteria provided. Collection method: clinical testing. Allele origin: unknown. Not counted in ClinVar's aggregate classification.

Literature cited by the submitters: PubMed 25174816 (cited by 4 submitters); PubMed 28498829 (cited by Ambry Genetics and Labcorp Genetics (formerly Invitae), Labcorp); PubMed 31337602 (cited by 3 submitters); PubMed 36413997 (cited by Ambry Genetics); PubMed 22698809 (cited by Labcorp Genetics (formerly Invitae), Labcorp); PubMed 26810761 (cited by Labcorp Genetics (formerly Invitae), Labcorp); PubMed 27378695 (cited by Women's Health and Genetics/Laboratory Corporation of America, LabCorp).

NM_001370658.1(BTD):c.604G>A (p.Asp202Asn)

Gene: BTD (biotinidase; plus strand). Cytogenetic location: 3p25.1.
Variant type: single nucleotide variant.
Coding change: c.604G>A on transcript NM_001370658.1 (MANE Select); coding-DNA position 604, G replaced by A.
Protein change: p.Asp202Asn; replaces aspartic acid 202 with asparagine.
Molecular consequence: missense variant. On other transcripts: intron variant (1).
Genome position (GRCh38, 1-based): chr3:15,644,520, G>A. VCF-style: chr3-15644520-G-A. GRCh37 (hg19) VCF-style: chr3-15686027-G-A.
Other names: c.664G>A, p.Asp222Asn (NM_000060.4); c.604G>A, p.Asp202Asn (NM_001281723.4, NM_001281724.3, NM_001281725.3 and 18 more transcripts); c.399+2463G>A (NM_001370753.1); short protein forms D202N.
Identifiers: ClinVar variation 381650 (VCV000381650.13), dbSNP rs200337373, ClinGen allele CA2277359.